The following is an entry in ClinVar:

ClinVar aggregate classification (germline): Uncertain significance (1 of 4 stars; one submission).

Conditions:
Werner syndrome (WRN). Identifiers: Orphanet 902, MedGen C0043119, MONDO:0010196, OMIM 277700.

Submission:

Labcorp Genetics (formerly Invitae), Labcorp
Classification: Uncertain significance for Werner syndrome. Last evaluated: 2022-12-08. Review status: criteria provided, single submitter. Criteria: Invitae Variant Classification Sherloc (09022015). Collection method: clinical testing. Allele origin: germline.
Comment: In summary, the available evidence is currently insufficient to determine the role of this variant in disease. Therefore, it has been classified as a Variant of Uncertain Significance. Algorithms developed to predict the effect of missense changes on protein structure and function are either unavailable or do not agree on the potential impact of this missense change (SIFT: "Not Available"; PolyPhen-2: "Possibly Damaging"; Align-GVGD: "Not Available"). This variant has not been reported in the literature in individuals affected with WRN-related conditions. This variant is not present in population databases (gnomAD no frequency). This sequence change replaces glycine, which is neutral and non-polar, with aspartic acid, which is acidic and polar, at codon 186 of the WRN protein (p.Gly186Asp).

NM_000553.6(WRN):c.557G>A (p.Gly186Asp)

Gene: WRN (WRN RecQ like helicase; plus strand). Cytogenetic location: 8p12.
Variant type: single nucleotide variant.
Coding change: c.557G>A on transcript NM_000553.6 (MANE Select); coding-DNA position 557, G replaced by A.
Protein change: p.Gly186Asp; replaces glycine 186 with aspartic acid.
Molecular consequence: missense variant.
Genome position (GRCh38, 1-based): chr8:31,067,085, G>A. VCF-style: chr8-31067085-G-A. GRCh37 (hg19) VCF-style: chr8-30924601-G-A.
Other names: short protein forms G186D.
Identifiers: ClinVar variation 2819525 (VCV002819525.3), dbSNP rs2535887193, ClinGen allele CA370916036.